The following is an entry in ClinVar:

NM_001367624.2(ZNF469):c.9707C>T (p.Pro3236Leu)

Gene: ZNF469 (zinc finger protein 469; plus strand). Cytogenetic location: 16q24.2.
Variant type: single nucleotide variant.
Coding change: c.9707C>T on transcript NM_001367624.2 (MANE Select); coding-DNA position 9707, C replaced by T.
Protein change: p.Pro3236Leu; replaces proline 3236 with leucine.
Molecular consequence: missense variant.
Genome position (GRCh38, 1-based): chr16:88,437,177, C>T. VCF-style: chr16-88437177-C-T. GRCh37 (hg19) VCF-style: chr16-88503585-C-T.
Other names: short protein forms P3236L.
Identifiers: ClinVar variation 2096074 (VCV002096074.4), dbSNP rs1300846498, ClinGen allele CA397124539.

ClinVar aggregate classification (germline): Uncertain significance (1 of 4 stars; one submission).

gnomAD v4.1: 1 of 1,549,522 alleles (0.000065%); highest among the groups gnomAD compares: Admixed American, 0.002%; no homozygotes.

Submission:

Labcorp Genetics (formerly Invitae), Labcorp
Classification: Uncertain significance. Last evaluated: 2022-11-22. Review status: criteria provided, single submitter. Criteria: Invitae Variant Classification Sherloc (09022015). Collection method: clinical testing. Allele origin: germline.
Comment: In summary, the available evidence is currently insufficient to determine the role of this variant in disease. Therefore, it has been classified as a Variant of Uncertain Significance. Algorithms developed to predict the effect of missense changes on protein structure and function are either unavailable or do not agree on the potential impact of this missense change (SIFT: "Deleterious"; PolyPhen-2: "Benign"; Align-GVGD: "Class C0"). This variant has not been reported in the literature in individuals affected with ZNF469-related conditions. This variant is present in population databases (no rsID available, gnomAD 0.004%). This sequence change replaces proline, which is neutral and non-polar, with leucine, which is neutral and non-polar, at codon 3208 of the ZNF469 protein (p.Pro3208Leu).